The following is an entry in ClinVar:

NM_003803.4(MYOM1):c.4145A>G (p.Asn1382Ser)

Gene: MYOM1 (myomesin 1; minus strand). Cytogenetic location: 18p11.31.
Variant type: single nucleotide variant.
Coding change: c.4145A>G on transcript NM_003803.4 (MANE Select); coding-DNA position 4145, A replaced by G.
Protein change: p.Asn1382Ser; replaces asparagine 1382 with serine.
Molecular consequence: missense variant.
Genome position (GRCh38, 1-based): chr18:3,086,144, T>C on the plus strand (A>G on the coding strand, the complement: MYOM1 is on the minus strand). VCF-style: chr18-3086144-T-C. GRCh37 (hg19) VCF-style: chr18-3086142-T-C.
Other names: c.3857A>G, p.Asn1286Ser (NM_019856.2); short protein forms N1286S, N1382S.
Identifiers: ClinVar variation 3401872 (VCV003401872.1).
Genomic context (GRCh38, chr18:3,086,144, plus strand): 5'-TCATCCACTGATATCTCCCTCTCATCTTTGTACCACACAATATGAGTCTCCTTCTTAATA[T>C]TTGCCACCTAGGAGAAAAACCATAATTACTTTTCTTAAAATAAGAAAGTGTACTCTTGTG-3'
Protein context (NP_003794.3, residues 1372-1392): CNVLLKCKVA[Asn1382Ser]IKKETHIVWY

ClinVar aggregate classification (germline): Uncertain significance (1 of 4 stars; one submission).

gnomAD v4.1: 5 of 1,586,784 alleles (0.00032%); highest among the groups gnomAD compares: Non-Finnish European, 0.00034%; no homozygotes.

Submission:

Ambry Genetics
Classification: Uncertain significance. Last evaluated: 2024-11-27. Review status: criteria provided, single submitter. Criteria: Ambry Variant Classification Scheme 2023. Collection method: clinical testing. Allele origin: germline.
Comment: The p.N1382S variant (also known as c.4145A>G), located in coding exon 29 of the MYOM1 gene, results from an A to G substitution at nucleotide position 4145. The asparagine at codon 1382 is replaced by serine, an amino acid with highly similar properties. This amino acid position is conserved. In addition, this alteration is predicted to be tolerated by in silico analysis. Based on the available evidence, the clinical significance of this variant remains unclear.